The following is an entry in ClinVar:

ClinVar aggregate classification (germline): Uncertain significance (1 of 4 stars; one submission).

Submission:

GeneDx
Classification: Uncertain significance. Last evaluated: 2023-07-25. Review status: criteria provided, single submitter. Criteria: GeneDx Variant Classification Process June 2021. Collection method: clinical testing. Allele origin: germline. Affected: yes.
Comment: Not observed at significant frequency in large population cohorts (gnomAD); In silico analysis supports that this missense variant has a deleterious effect on protein structure/function; Has not been previously published as pathogenic or benign to our knowledge

NM_005219.5(DIAPH1):c.2186C>G (p.Pro729Arg)

Gene: DIAPH1 (diaphanous related formin 1; minus strand). Cytogenetic location: 5q31.3.
Variant type: single nucleotide variant.
Coding change: c.2186C>G on transcript NM_005219.5 (MANE Select); coding-DNA position 2186, C replaced by G.
Protein change: p.Pro729Arg; replaces proline 729 with arginine.
Molecular consequence: missense variant.
Genome position (GRCh38, 1-based): chr5:141,573,664, G>C on the plus strand (C>G on the coding strand, the complement: DIAPH1 is on the minus strand). VCF-style: chr5-141573664-G-C. GRCh37 (hg19) VCF-style: chr5-140953231-G-C.
Other names: c.2159C>G, p.Pro720Arg (NM_001079812.3); c.2186C>G, p.Pro729Arg (NM_001314007.2); short protein forms P720R, P729R.
Identifiers: ClinVar variation 3361356 (VCV003361356.1).